The following is an entry in ClinVar:

ClinVar aggregate classification (germline): Likely benign (0 of 4 stars; one submission).

Conditions:
STARD9-related disorder. Also called: STARD9-related condition.

gnomAD v4.1: 21 of 1,537,008 alleles (0.0014%); highest among the groups gnomAD compares: East Asian, 0.022%; no homozygotes.

Submission:

PreventionGenetics, part of Exact Sciences
Classification: Likely benign for STARD9-related condition. Last evaluated: 2023-09-15. Review status: no assertion criteria provided. Collection method: clinical testing. Allele origin: germline.
Comment: This variant is classified as likely benign based on ACMG/AMP sequence variant interpretation guidelines (Richards et al. 2015 PMID: 25741868, with internal and published modifications).

NM_020759.3(STARD9):c.12117G>A (p.Pro4039=)

Gene: STARD9 (StAR related lipid transfer domain containing 9; plus strand). Cytogenetic location: 15q15.2.
Variant type: single nucleotide variant.
Coding change: c.12117G>A on transcript NM_020759.3 (MANE Select); coding-DNA position 12117, G replaced by A.
Protein change: p.Pro4039=; no amino-acid change (proline 4039 retained).
Molecular consequence: synonymous variant.
Genome position (GRCh38, 1-based): chr15:42,693,695, G>A. VCF-style: chr15-42693695-G-A. GRCh37 (hg19) VCF-style: chr15-42985893-G-A.
Identifiers: ClinVar variation 3054494 (VCV003054494.2), dbSNP rs922143606, ClinGen allele CA269904156.
Genomic context (GRCh38, chr15:42,693,695, plus strand): 5'-ACTGAGGCACAGGAGCCAAAGGCTGGGCAACAGCTTTGTGCCTGAGAAGGTGGCTTCCCC[G>A]GAGCATTGCCCACTGAGCGGTAGGGAGCCAAGTCAGTGGCAGAGCAGGACAGAAAATGGA-3'
Protein context (NP_065810.2, residues 4029-4049): NSFVPEKVAS[Pro4039=]EHCPLSGREP